The following is an entry in ClinVar:

NM_001999.4(FBN2):c.7306A>C (p.Ile2436Leu)

Gene: FBN2 (fibrillin 2; minus strand). Cytogenetic location: 5q23.3.
Variant type: single nucleotide variant.
Coding change: c.7306A>C on transcript NM_001999.4 (MANE Select); coding-DNA position 7306, A replaced by C.
Protein change: p.Ile2436Leu; replaces isoleucine 2436 with leucine.
Molecular consequence: missense variant.
Genome position (GRCh38, 1-based): chr5:128,278,674, T>G on the plus strand (A>C on the coding strand, the complement: FBN2 is on the minus strand). VCF-style: chr5-128278674-T-G. GRCh37 (hg19) VCF-style: chr5-127614366-T-G.
Other names: short protein forms I2436L.
Identifiers: ClinVar variation 571844 (VCV000571844.52), dbSNP rs755134019, ClinGen allele CA3394162.

ClinVar aggregate classification (germline): Conflicting classifications of pathogenicity. Review status: criteria provided, conflicting classifications (1 of 4 stars). 3 submissions from 3 submitters: Uncertain significance (2); Likely benign (1). Last evaluated 2026-06-27.

Conditions:
Congenital contractural arachnodactyly (CCA). Also called: BEALS SYNDROME; Beals-Hecht syndrome; Arthrogryposis, distal, type 9. Identifiers: Orphanet 115, MedGen C0220668, MONDO:0007363, OMIM 121050.
Familial thoracic aortic aneurysm and aortic dissection (TAAD). Also called: Thoracic aortic aneurysms and dissections. Identifiers: Orphanet 91387, MedGen C4707243, MONDO:0019625.

Allele frequency attached by ClinVar (database versions not stated): ExAC 0.00001; gnomAD 0.00001; gnomAD exomes 0.00001; TOPMed 0.00002.
gnomAD v4.1: 54 of 1,614,052 alleles (0.0033%); highest among the groups gnomAD compares: Non-Finnish European, 0.0046%; no homozygotes.

Submissions (3):

Ambry Genetics
Classification: Uncertain significance for Familial thoracic aortic aneurysm and aortic dissection. Last evaluated: 2026-06-27. Review status: criteria provided, single submitter. Criteria: Ambry Variant Classification Scheme 2023. Collection method: clinical testing. Allele origin: germline.
Comment: The p.I2436L variant (also known as c.7306A>C), located in coding exon 57 of the FBN2 gene, results from an A to C substitution at nucleotide position 7306. The isoleucine at codon 2436 is replaced by leucine, an amino acid with highly similar properties. This amino acid position is conserved. In addition, this alteration is predicted to be tolerated by in silico analysis. Based on the available evidence, the clinical significance of this variant remains unclear.

Labcorp Genetics (formerly Invitae), Labcorp
Classification: Likely benign for Congenital contractural arachnodactyly. Last evaluated: 2024-04-11. Review status: criteria provided, single submitter. Criteria: Invitae Variant Classification Sherloc (09022015). Collection method: clinical testing. Allele origin: germline.

ARUP Laboratories, Molecular Genetics and Genomics, ARUP Laboratories
Classification: Uncertain significance. Last evaluated: 2021-09-18. Review status: criteria provided, single submitter. Criteria: ARUP Molecular Germline Variant Investigation Process 2021. Collection method: clinical testing. Allele origin: germline.
Comment: The FBN2 c.7306A>C, p.Ile2436Leu variant (rs755134019), to our knowledge, is not reported in the medical literature but is reported in ClinVar (Variation ID: 571844). This variant is found in the non-Finnish European population with an allele frequency of 0.003% (3/113438 alleles) in the Genome Aggregation Database. The isoleucine at codon 2436 is moderately conserved, and computational analyses are uncertain whether this variant is neutral or deleterious (REVEL: 0.213). Due to limited information, the clinical significance of the p.Ile2436Leu variant is uncertain at this time.